The following is an entry in ClinVar:

NM_003327.4(TNFRSF4):c.809C>A (p.Ala270Asp)

Gene: TNFRSF4 (TNF receptor superfamily member 4; minus strand). Cytogenetic location: 1p36.33.
Variant type: single nucleotide variant.
Coding change: c.809C>A on transcript NM_003327.4 (MANE Select); coding-DNA position 809, C replaced by A.
Protein change: p.Ala270Asp; replaces alanine 270 with aspartic acid.
Molecular consequence: missense variant.
Genome position (GRCh38, 1-based): chr1:1,211,580, G>T on the plus strand (C>A on the coding strand, the complement: TNFRSF4 is on the minus strand). VCF-style: chr1-1211580-G-T. GRCh37 (hg19) VCF-style: chr1-1146960-G-T.
Other names: c.887C>A, p.Ala296Asp (NM_001410709.1); short protein forms A296D, A270D.
Identifiers: ClinVar variation 2709476 (VCV002709476.3), dbSNP rs1649102314, ClinGen allele CA337798327.
Genomic context (GRCh38, chr1:1,211,580, plus strand): 5'-TGGCGGGGCCCAGCGTCCACCTTGGTGGGCCCAGGTCAGATCTTGGCCAGGGTGGAGTGG[G>T]CGTCGGCCTGCTCCTCTTGGATGGGGGTCCGGAAACTGCCTCCCCCTGGGGAGGAAAAAA-3'
Protein context (NP_003318.1, residues 260-277): RTPIQEEQAD[Ala270Asp]HSTLAKI

ClinVar aggregate classification (germline): Uncertain significance (1 of 4 stars; one submission).

Conditions:
Combined immunodeficiency due to OX40 deficiency. Also called: OX40 DEFICIENCY; Immunodeficiency 16. Identifiers: Orphanet 431149, MedGen C3810053, MONDO:0014268, OMIM 615593.

Allele frequency attached by ClinVar (database versions not stated): TOPMed below 0.00001; gnomAD 0.00001.
gnomAD v4.1: 1 of 1,516,634 alleles (0.000066%); highest among the groups gnomAD compares: Admixed American, 0.0022%; no homozygotes.

Submission:

Labcorp Genetics (formerly Invitae), Labcorp
Classification: Uncertain significance for Combined immunodeficiency due to OX40 deficiency. Last evaluated: 2024-01-15. Review status: criteria provided, single submitter. Criteria: Invitae Variant Classification Sherloc (09022015). Collection method: clinical testing. Allele origin: germline.
Comment: This sequence change replaces alanine, which is neutral and non-polar, with aspartic acid, which is acidic and polar, at codon 270 of the TNFRSF4 protein (p.Ala270Asp). This variant is not present in population databases (gnomAD no frequency). This variant has not been reported in the literature in individuals affected with TNFRSF4-related conditions. An algorithm developed to predict the effect of missense changes on protein structure and function (PolyPhen-2) suggests that this variant is likely to be disruptive. In summary, the available evidence is currently insufficient to determine the role of this variant in disease. Therefore, it has been classified as a Variant of Uncertain Significance.